The following is an entry in ClinVar:

NM_024928.5(STN1):c.358A>G (p.Ile120Val)

Gene: STN1 (STN1 subunit of CST complex; minus strand). Cytogenetic location: 10q24.33.
Variant type: single nucleotide variant.
Coding change: c.358A>G on transcript NM_024928.5 (MANE Select); coding-DNA position 358, A replaced by G.
Protein change: p.Ile120Val; replaces isoleucine 120 with valine.
Molecular consequence: missense variant.
Genome position (GRCh38, 1-based): chr10:103,900,161, T>C on the plus strand (A>G on the coding strand, the complement: STN1 is on the minus strand). VCF-style: chr10-103900161-T-C. GRCh37 (hg19) VCF-style: chr10-105659919-T-C.
Other names: c.358A>G (NM_024928.4); short protein forms I120V.
Identifiers: ClinVar variation 1413471 (VCV001413471.6), dbSNP rs145372366, ClinGen allele CA5676638.

ClinVar aggregate classification (germline): Uncertain significance. Review status: criteria provided, multiple submitters, no conflicts (2 of 4 stars). 2 submissions from 2 submitters: Uncertain significance (2). Last evaluated 2025-08-11.

Conditions:
Inborn genetic diseases. Identifiers: MedGen C0950123, MeSH D030342.

Allele frequency attached by ClinVar (database versions not stated): gnomAD exomes 0.00001; ExAC 0.00002; gnomAD 0.00005 and 0.00006; TOPMed 0.00009; ESP Exome Variant Server 0.00015.
gnomAD v4.1: 22 of 1,614,040 alleles (0.0014%); highest among the groups gnomAD compares: African/African-American, 0.025%; no homozygotes.

Submissions (2):

Ambry Genetics
Classification: Uncertain significance for Inborn genetic diseases. Last evaluated: 2025-08-11. Review status: criteria provided, single submitter. Criteria: Ambry Variant Classification Scheme 2023. Collection method: clinical testing. Allele origin: germline.

Labcorp Genetics (formerly Invitae), Labcorp
Classification: Uncertain significance. Last evaluated: 2021-09-01. Review status: criteria provided, single submitter. Criteria: Invitae Variant Classification Sherloc (09022015). Collection method: clinical testing. Allele origin: germline.
Comment: This sequence change replaces isoleucine with valine at codon 120 of the STN1 protein (p.Ile120Val). The isoleucine residue is moderately conserved and there is a small physicochemical difference between isoleucine and valine. This variant is present in population databases (rs145372366, ExAC 0.02%). This variant has not been reported in the literature in individuals affected with STN1-related conditions. Algorithms developed to predict the effect of missense changes on protein structure and function (SIFT, PolyPhen-2, Align-GVGD) all suggest that this variant is likely to be tolerated. In summary, the available evidence is currently insufficient to determine the role of this variant in disease. Therefore, it has been classified as a Variant of Uncertain Significance.